The following is an entry in ClinVar:

ClinVar aggregate classification (germline): Pathogenic (1 of 4 stars; one submission).

Conditions:
Mucopolysaccharidosis type 1. Also called: IDUA deficiency; MPS I; Mucopolysaccharidosis Type I. Identifiers: Orphanet 579, MedGen C0023786, MONDO:0001586.

Submission:

Myriad Genetics, Inc.
Classification: Pathogenic for Mucopolysaccharidosis type 1. Last evaluated: 2024-03-06. Review status: criteria provided, single submitter. Criteria: Myriad Autosomal Dominant, Autosomal Recessive and X-Linked Classification Criteria (2023). Collection method: clinical testing. Allele origin: unknown.
Comment: NM_000203.3(IDUA):c.1632delC(E545Rfs*15) is expected to be pathogenic in the context of mucopolysaccharidosis type I. This variant is predicted to lead to an abnormal or absent protein product due to the creation of a premature termination codon in IDUA, a gene where loss-of-function variants are known to be pathogenic. Please note: this variant was assessed in the context of healthy population screening.

NM_000203.5(IDUA):c.1632del (p.Glu545fs)

Gene: IDUA (alpha-L-iduronidase; plus strand). Cytogenetic location: 4p16.3.
Variant type: Deletion.
Coding change: c.1632del on transcript NM_000203.5 (MANE Select); coding-DNA position 1632, one base deleted (C; older notation c.1632delC).
Protein change: p.Glu545fs; shifts the reading frame from glutamic acid 545.
Molecular consequence: frameshift variant. On other transcripts: non-coding transcript variant (1).
Genome position (GRCh38, 1-based): chr4:1,003,452, C deleted; the last of 4 consecutive C bases (chr4:1,003,449-1,003,452); deleting any one gives the same sequence. VCF-style (leftmost placement, unchanged base first): chr4-1003448-GC-G. GRCh37 (hg19) VCF-style: chr4-997236-GC-G.
Other names: c.1236del, p.Glu413fs (NM_001363576.1); short protein forms E413fs, E545fs.
Identifiers: ClinVar variation 5012801 (VCV005012801.1).